The following is an entry in ClinVar:

NM_000052.7(ATP7A):c.760C>T (p.Arg254Cys)

Gene: ATP7A (ATPase copper transporting alpha; plus strand). Cytogenetic location: Xq21.1.
Variant type: single nucleotide variant.
Coding change: c.760C>T on transcript NM_000052.7 (MANE Select); coding-DNA position 760, C replaced by T.
Protein change: p.Arg254Cys; replaces arginine 254 with cysteine.
Molecular consequence: missense variant.
Genome position (GRCh38, 1-based): chrX:77,989,382, C>T. VCF-style: chrX-77989382-C-T. GRCh37 (hg19) VCF-style: chrX-77244878-C-T.
Other names: c.760C>T, p.Arg254Cys (NM_001282224.2); short protein forms R254C.
Identifiers: ClinVar variation 1371057 (VCV001371057.11), dbSNP rs374855698, ClinGen allele CA413600794.

ClinVar aggregate classification (germline): Conflicting classifications of pathogenicity. Review status: criteria provided, conflicting classifications (1 of 4 stars). 2 submissions from 2 submitters: Uncertain significance (1); Likely benign (1). Last evaluated 2025-10-10.

Conditions:
Cutis laxa, X-linked (OHS). Also called: EDS IX; Occipital horn syndrome. Identifiers: Orphanet 198, MedGen C0268353, MONDO:0010572, OMIM 304150.
X-linked distal spinal muscular atrophy type 3. Also called: ATP7A-Related Distal Motor Neuropathy; SPINAL MUSCULAR ATROPHY, DISTAL, X-LINKED RECESSIVE; NEUROPATHY, DISTAL HEREDITARY MOTOR, X-LINKED; NEURONOPATHY, DISTAL HEREDITARY MOTOR, X-LINKED. Identifiers: Orphanet 139557, MedGen C1845359, MONDO:0010338, OMIM 300489.
Menkes kinky-hair syndrome (MNK). Also called: Classic Menkes Disease; Copper transport disease; Menkes Disease. Identifiers: Orphanet 565, MedGen C0022716, MONDO:0010651, OMIM 309400.

Allele frequency attached by ClinVar (database versions not stated): gnomAD 0.00001; gnomAD exomes 0.00001; TOPMed 0.00001.
gnomAD v4.1: 7 of 1,209,404 alleles (0.00058%); highest among the groups gnomAD compares: Non-Finnish European, 0.00078%; no homozygotes.

Submissions (2):

Labcorp Genetics (formerly Invitae), Labcorp
Classification: Likely benign for X-linked distal spinal muscular atrophy type 3; Cutis laxa, X-linked; Menkes kinky-hair syndrome. Last evaluated: 2025-10-10. Review status: criteria provided, single submitter. Criteria: Invitae Variant Classification Sherloc (09022015). Collection method: clinical testing. Allele origin: germline.

GeneDx
Classification: Uncertain significance. Last evaluated: 2022-03-23. Review status: criteria provided, single submitter. Criteria: GeneDx Variant Classification Process June 2021. Collection method: clinical testing. Allele origin: germline. Affected: yes.
Comment: Has not been previously published as pathogenic or benign to our knowledge; Not observed at significant frequency in large population cohorts (gnomAD); In silico analysis supports that this missense variant has a deleterious effect on protein structure/function